The following is an entry in ClinVar:

ClinVar aggregate classification (germline): Pathogenic. Review status: criteria provided, multiple submitters, no conflicts (2 of 4 stars). 4 submissions from 4 submitters: Pathogenic (4). Last evaluated 2024-10-04.

Conditions:
Becker muscular dystrophy (BMD). Also called: Becker Muscular Dystrophy (BMD); MUSCULAR DYSTROPHY, PSEUDOHYPERTROPHIC PROGRESSIVE, BECKER TYPE. Identifiers: Orphanet 98895, MedGen C0917713, MONDO:0010311, OMIM 300376.
Duchenne muscular dystrophy (DMD). Also called: Duchenne Muscular Dystrophy (DMD); MUSCULAR DYSTROPHY, PSEUDOHYPERTROPHIC PROGRESSIVE, DUCHENNE TYPE. Identifiers: Orphanet 98896, MedGen C0013264, MONDO:0010679, OMIM 310200.

Submissions (4):

Dubai Health Genomic Medicine Center, Dubai Health
Classification: Pathogenic for Becker muscular dystrophy. Last evaluated: 2024-10-04. Review status: criteria provided, single submitter. Criteria: ACMG Guidelines, 2015. Collection method: research. Allele origin: germline. Affected: yes.
Comment: PVS1,PS2,PM2

ARUP Laboratories, Molecular Genetics and Genomics, ARUP Laboratories
Classification: Pathogenic. Last evaluated: 2022-01-05. Review status: criteria provided, single submitter. Criteria: ARUP Molecular Germline Variant Investigation Process 2021. Collection method: clinical testing. Allele origin: germline.
Comment: The DMD c.1966C>T; p.Gln656Ter variant (rs1603636537) is reported in the literature in affected individuals (Cho 2017, Flanigan 2009). The variant is reported as pathogenic in the ClinVar database (Variation ID: 803922) and is absent from general population databases (Exome Variant Server, Genome Aggregation Database), indicating it is not a common polymorphism. This variant induces an early termination codon and is predicted to result in a truncated protein or mRNA subject to nonsense-mediated decay. Based on available information, this variant is classified as pathogenic.

Mendelics
Classification: Pathogenic for Duchenne muscular dystrophy. Last evaluated: 2019-05-28. Review status: criteria provided, single submitter. Criteria: Mendelics Assertion Criteria 2017. Collection method: clinical testing. Allele origin: unknown.

GeneDx
Classification: Pathogenic. Last evaluated: 2016-01-08. Review status: criteria provided, single submitter. Criteria: GeneDx Variant Classification Process June 2021. Collection method: clinical testing. Allele origin: germline. Affected: yes.
Comment: Based on the understanding of this genetic alteration, it may be amenable to nonsense read-through therapy that is currently available or in clinical trial; This variant is associated with the following publications: (PMID: 25525159, 19937601, 27593222)

NM_004006.3(DMD):c.1966C>T (p.Gln656Ter)

Gene: DMD (dystrophin; minus strand). Cytogenetic location: Xp21.1.
Variant type: single nucleotide variant.
Coding change: c.1966C>T on transcript NM_004006.3 (MANE Select); coding-DNA position 1966, C replaced by T.
Protein change: p.Gln656Ter; replaces glutamine 656 with a stop codon.
Molecular consequence: nonsense.
Genome position (GRCh38, 1-based): chrX:32,565,728, G>A on the plus strand (C>T on the coding strand, the complement: DMD is on the minus strand). VCF-style: chrX-32565728-G-A. GRCh37 (hg19) VCF-style: chrX-32583845-G-A.
Other names: c.1942C>T, p.Gln648Ter (NM_000109.4); c.1954C>T, p.Gln652Ter (NM_004009.3); c.1597C>T, p.Gln533Ter (NM_004010.3); short protein forms Q533*, Q652*, Q656*, Q648*.
Identifiers: ClinVar variation 803922 (VCV000803922.11), dbSNP rs1603636537, ClinGen allele CA412672283.
Genomic context (GRCh38, chrX:32,565,728, plus strand): 5'-GATAGTCTGTAGCATGATAATTGGTATCACTAACCTGTGCTGTACTCTTTTCAAGTTTTT[G>A]GACTAAATTATCCCAACACCGGGCAAAGTTATCCAGCCATGCTTCCGTCTTCTGGGTCAC-3'